The following is an entry in ClinVar:

ClinVar aggregate classification (germline): Uncertain significance. Review status: criteria provided, multiple submitters, no conflicts (2 of 4 stars). 3 submissions from 3 submitters: Uncertain significance (3). Last evaluated 2026-01-19.

Conditions:
Progressive external ophthalmoplegia with mitochondrial DNA deletions, autosomal dominant 4. Also called: PROGRESSIVE EXTERNAL OPHTHALMOPLEGIA, AUTOSOMAL DOMINANT 4. Identifiers: MedGen C1864668, MONDO:0012415, OMIM 610131.

Allele frequency attached by ClinVar (database versions not stated): ExAC 0.00002; TOPMed 0.00003; gnomAD exomes 0.00005; gnomAD 0.00007.
gnomAD v4.1: 80 of 1,613,718 alleles (0.005%); highest among the groups gnomAD compares: Admixed American, 0.015%; no homozygotes.

Submissions (3):

Labcorp Genetics (formerly Invitae), Labcorp
Classification: Uncertain significance. Last evaluated: 2026-01-19. Review status: criteria provided, single submitter. Criteria: Invitae Variant Classification Sherloc (09022015). Collection method: clinical testing. Allele origin: germline.
Comment: This sequence change replaces arginine, which is basic and polar, with serine, which is neutral and polar, at codon 122 of the POLG2 protein (p.Arg122Ser). This variant is present in population databases (rs781925329, gnomAD 0.01%). This variant has not been reported in the literature in individuals affected with POLG2-related conditions. ClinVar contains an entry for this variant (Variation ID: 891272). An algorithm developed to predict the effect of missense changes on protein structure and function (PolyPhen-2) suggests that this variant is likely to be disruptive. In summary, the available evidence is currently insufficient to determine the role of this variant in disease. Therefore, it has been classified as a Variant of Uncertain Significance.

GeneDx
Classification: Uncertain significance. Last evaluated: 2019-04-22. Review status: criteria provided, single submitter. Criteria: GeneDx Variant Classification Process June 2021. Collection method: clinical testing. Allele origin: germline. Affected: yes.
Comment: In silico analysis, which includes protein predictors and evolutionary conservation, supports a deleterious effect; Has not been previously published as pathogenic or benign to our knowledge

Illumina Laboratory Services, Illumina
Classification: Uncertain significance for Progressive external ophthalmoplegia with mitochondrial DNA deletions, autosomal dominant 4. Last evaluated: 2017-04-27. Review status: criteria provided, single submitter. Criteria: ICSL Variant Classification Criteria 13 December 2019. Collection method: clinical testing. Allele origin: germline.

NM_007215.4(POLG2):c.366G>T (p.Arg122Ser)

Genes: POLG2 (DNA polymerase gamma 2, accessory subunit; minus strand), MILR1 (mast cell immunoglobulin like receptor 1; plus strand). Cytogenetic location: 17q23.3.
Variant type: single nucleotide variant.
Coding change: c.366G>T on transcript NM_007215.4 (MANE Select); coding-DNA position 366, G replaced by T.
Protein change: p.Arg122Ser; replaces arginine 122 with serine.
Molecular consequence: missense variant.
Genome position (GRCh38, 1-based): chr17:64,496,603, C>A on the plus strand (G>T on the coding strand, the complement: POLG2 is on the minus strand). VCF-style: chr17-64496603-C-A. GRCh37 (hg19) VCF-style: chr17-62492721-C-A.
Other names: short protein forms R122S.
Identifiers: ClinVar variation 891272 (VCV000891272.11), dbSNP rs781925329, ClinGen allele CA8713042.